The following is an entry in ClinVar:

ClinVar aggregate classification (germline): Uncertain significance (1 of 4 stars; one submission).

Conditions:
Inborn genetic diseases. Identifiers: MedGen C0950123, MeSH D030342.

gnomAD v4.1: 11 of 1,521,260 alleles (0.00072%); highest among the groups gnomAD compares: South Asian, 0.0012%; no homozygotes.

Submission:

Ambry Genetics
Classification: Uncertain significance for Inborn genetic diseases. Last evaluated: 2025-11-10. Review status: criteria provided, single submitter. Criteria: Ambry Variant Classification Scheme 2023. Collection method: clinical testing. Allele origin: germline.
Comment: The p.K1269N variant (also known as c.3807G>C), located in coding exon 28 of the LTBP3 gene, results from a G to C substitution at nucleotide position 3807. The lysine at codon 1269 is replaced by asparagine, an amino acid with similar properties. This amino acid position is conserved. In addition, the in silico prediction for this alteration is inconclusive. Based on the available evidence, the clinical significance of this variant remains unclear.

NM_001130144.3(LTBP3):c.3807G>C (p.Lys1269Asn)

Gene: LTBP3 (latent transforming growth factor beta binding protein 3; minus strand). Cytogenetic location: 11q13.1.
Variant type: single nucleotide variant.
Coding change: c.3807G>C on transcript NM_001130144.3 (MANE Select); coding-DNA position 3807, G replaced by C.
Protein change: p.Lys1269Asn; replaces lysine 1269 with asparagine.
Molecular consequence: missense variant.
Genome position (GRCh38, 1-based): chr11:65,539,185, C>G on the plus strand (G>C on the coding strand, the complement: LTBP3 is on the minus strand). VCF-style: chr11-65539185-C-G. GRCh37 (hg19) VCF-style: chr11-65306656-C-G.
Other names: c.3315G>C, p.Lys1105Asn (NM_001164266.1); c.3666G>C, p.Lys1222Asn (NM_021070.4); short protein forms K1105N, K1269N, K1222N.
Identifiers: ClinVar variation 3868986 (VCV003868986.2).